The following is an entry in ClinVar:

NM_001102564.3(IFT43):c.70C>T (p.Arg24Cys)

Gene: IFT43 (intraflagellar transport 43; plus strand). Cytogenetic location: 14q24.3.
Variant type: single nucleotide variant.
Coding change: c.70C>T on transcript NM_001102564.3 (MANE Select); coding-DNA position 70, C replaced by T.
Protein change: p.Arg24Cys; replaces arginine 24 with cysteine.
Molecular consequence: missense variant. On other transcripts: non-coding transcript variant (2).
Genome position (GRCh38, 1-based): chr14:75,988,900, C>T. VCF-style: chr14-75988900-C-T. GRCh37 (hg19) VCF-style: chr14-76455243-C-T.
Other names: c.70C>T, p.Arg24Cys (NM_001255995.3, NM_052873.3); c.70C>T (NM_052873.2); short protein forms R24C.
Identifiers: ClinVar variation 1038270 (VCV001038270.7), dbSNP rs995075025, ClinGen allele CA263717257.

ClinVar aggregate classification (germline): Uncertain significance. Review status: criteria provided, multiple submitters, no conflicts (2 of 4 stars). 2 submissions from 2 submitters: Uncertain significance (2). Last evaluated 2024-08-28.

Allele frequency attached by ClinVar (database versions not stated): gnomAD 0.00001; TOPMed 0.00001.
gnomAD v4.1: 8 of 1,613,724 alleles (0.0005%); highest among the groups gnomAD compares: Admixed American, 0.0017%; no homozygotes.

Submissions (2):

GeneDx
Classification: Uncertain significance. Last evaluated: 2024-08-28. Review status: criteria provided, single submitter. Criteria: GeneDx Variant Classification Process June 2021. Collection method: clinical testing. Allele origin: germline. Affected: yes.
Comment: Not observed at significant frequency in large population cohorts (gnomAD); In silico analysis supports that this missense variant has a deleterious effect on protein structure/function; Has not been previously published as pathogenic or benign to our knowledge

Labcorp Genetics (formerly Invitae), Labcorp
Classification: Uncertain significance. Last evaluated: 2022-08-16. Review status: criteria provided, single submitter. Criteria: Invitae Variant Classification Sherloc (09022015). Collection method: clinical testing. Allele origin: germline.
Comment: This sequence change replaces arginine, which is basic and polar, with cysteine, which is neutral and slightly polar, at codon 24 of the IFT43 protein (p.Arg24Cys). This variant is present in population databases (no rsID available, gnomAD 0.007%). This variant has not been reported in the literature in individuals affected with IFT43-related conditions. ClinVar contains an entry for this variant (Variation ID: 1038270). Algorithms developed to predict the effect of missense changes on protein structure and function are either unavailable or do not agree on the potential impact of this missense change (SIFT: "Deleterious"; PolyPhen-2: "Probably Damaging"; Align-GVGD: "Class C0"). In summary, the available evidence is currently insufficient to determine the role of this variant in disease. Therefore, it has been classified as a Variant of Uncertain Significance.